The following is an entry in ClinVar:

NM_000390.4(CHM):c.1484C>G (p.Ser495Ter)

Gene: CHM (CHM Rab escort protein; minus strand). Cytogenetic location: Xq21.2.
Variant type: single nucleotide variant.
Coding change: c.1484C>G on transcript NM_000390.4 (MANE Select); coding-DNA position 1484, C replaced by G.
Protein change: p.Ser495Ter; replaces serine 495 with a stop codon.
Molecular consequence: nonsense.
Genome position (GRCh38, 1-based): chrX:85,894,214, G>C on the plus strand (C>G on the coding strand, the complement: CHM is on the minus strand). VCF-style: chrX-85894214-G-C. GRCh37 (hg19) VCF-style: chrX-85149219-G-C.
Other names: c.1040C>G, p.Ser347Ter (NM_001320959.1, NM_001362517.1, NM_001362518.2 and 1 more transcripts); short protein forms S495*, S347*.
Identifiers: ClinVar variation 2821975 (VCV002821975.3), dbSNP rs132630264, ClinGen allele CA413788468.

ClinVar aggregate classification (germline): Pathogenic (1 of 4 stars; one submission).

Submission:

Labcorp Genetics (formerly Invitae), Labcorp
Classification: Pathogenic. Last evaluated: 2022-12-18. Review status: criteria provided, single submitter. Criteria: Invitae Variant Classification Sherloc (09022015). Collection method: clinical testing. Allele origin: germline.
Comment: For these reasons, this variant has been classified as Pathogenic. Algorithms developed to predict the effect of sequence changes on RNA splicing suggest that this variant may disrupt the consensus splice site. This premature translational stop signal has been observed in individual(s) with CHM-related conditions (PMID: 29555028). This variant is not present in population databases (gnomAD no frequency). This sequence change creates a premature translational stop signal (p.Ser495*) in the CHM gene. It is expected to result in an absent or disrupted protein product. Loss-of-function variants in CHM are known to be pathogenic (PMID: 9067750, 23811034).

Literature cited by the submitters: PubMed 29555028; PubMed 9067750; PubMed 23811034.